The following is an entry in ClinVar:

NM_007254.4(PNKP):c.1435A>G (p.Met479Val)

Gene: PNKP (polynucleotide kinase 3'-phosphatase; minus strand). Cytogenetic location: 19q13.33.
Variant type: single nucleotide variant.
Coding change: c.1435A>G on transcript NM_007254.4 (MANE Select); coding-DNA position 1435, A replaced by G.
Protein change: p.Met479Val; replaces methionine 479 with valine.
Molecular consequence: missense variant.
Genome position (GRCh38, 1-based): chr19:49,861,462, T>C on the plus strand (A>G on the coding strand, the complement: PNKP is on the minus strand). VCF-style: chr19-49861462-T-C. GRCh37 (hg19) VCF-style: chr19-50364719-T-C.
Other names: short protein forms M479V.
Identifiers: ClinVar variation 1060226 (VCV001060226.8), dbSNP rs1264163330, ClinGen allele CA406932743.
Genomic context (GRCh38, chr19:49,861,462, plus strand): 5'-CATGTGGCCCAGCCAGTGCCCCTGCCCCCTGCTATCCCCAACAGTACCTGTAGCCATACA[T>C]GACCATGTCTGACACGGGGATATGAGAGGAGTCCGTCATCTCTCGAAACTGTGGGGAACA-3'
Protein context (NP_009185.2, residues 469-489): SSHIPVSDMV[Met479Val]YGYRKQFEAP

ClinVar aggregate classification (germline): Uncertain significance (1 of 4 stars; one submission).

Conditions:
Developmental and epileptic encephalopathy, 12 (DEE12). Identifiers: MedGen C3150988, MONDO:0013389, OMIM 613722.

Allele frequency attached by ClinVar (database versions not stated): TOPMed below 0.00001.

Submission:

Labcorp Genetics (formerly Invitae), Labcorp
Classification: Uncertain significance for Developmental and epileptic encephalopathy, 12. Last evaluated: 2020-06-12. Review status: criteria provided, single submitter. Criteria: Invitae Variant Classification Sherloc (09022015). Collection method: clinical testing. Allele origin: germline.
Comment: This variant has not been reported in the literature in individuals with PNKP-related conditions. This variant is not present in population databases (ExAC no frequency). This sequence change replaces methionine with valine at codon 479 of the PNKP protein (p.Met479Val). The methionine residue is moderately conserved and there is a small physicochemical difference between methionine and valine. Algorithms developed to predict the effect of missense changes on protein structure and function (SIFT, PolyPhen-2, Align-GVGD) all suggest that this variant is likely to be tolerated, but these predictions have not been confirmed by published functional studies and their clinical significance is uncertain. In summary, the available evidence is currently insufficient to determine the role of this variant in disease. Therefore, it has been classified as a Variant of Uncertain Significance.